The following is an entry in ClinVar:

NM_005055.5(RAPSN):c.211G>A (p.Asp71Asn)

Gene: RAPSN (receptor associated protein of the synapse; minus strand). Cytogenetic location: 11p11.2.
Variant type: single nucleotide variant.
Coding change: c.211G>A on transcript NM_005055.5 (MANE Select); coding-DNA position 211, G replaced by A.
Protein change: p.Asp71Asn; replaces aspartic acid 71 with asparagine.
Molecular consequence: missense variant.
Genome position (GRCh38, 1-based): chr11:47,448,132, C>T on the plus strand (G>A on the coding strand, the complement: RAPSN is on the minus strand). VCF-style: chr11-47448132-C-T. GRCh37 (hg19) VCF-style: chr11-47469684-C-T.
Other names: c.211G>A, p.Asp71Asn (NM_032645.5); short protein forms D71N.
Identifiers: ClinVar variation 1360168 (VCV001360168.6), dbSNP rs150051760, ClinGen allele CA221722376.
Genomic context (GRCh38, chr11:47,448,132, plus strand): 5'-GTGCCAGGTTCAGGTAGCTCTCCAGGAGGAAGTCGGCATCCTCCAGCTCCCGGGCCGTGT[C>T]GATCTGGACCACAGCGAACTGCACACAGCGACGGTGGGCAGGTGGTGCTCAGCCTGGACT-3'
Protein context (NP_005046.2, residues 61-81): EMLKFAVVQI[Asp71Asn]TARELEDADF

ClinVar aggregate classification (germline): Uncertain significance (1 of 4 stars; one submission).

Conditions:
Congenital myasthenic syndrome 11. Also called: Myasthenic syndrome, congenital, 11, associated with acetylcholine receptor deficiency; MYASTHENIC SYNDROME, CONGENITAL, Ie. Identifiers: Orphanet 590, MedGen C4225367, MONDO:0014588, OMIM 616326.
Fetal akinesia deformation sequence 1 (FADS1). Also called: Fetal akinesia sequence; Pena-Shokeir syndrome type I. Identifiers: Orphanet 994, MedGen C1276035, MONDO:0100101, OMIM 208150, HP:0001989.

Allele frequency attached by ClinVar (database versions not stated): ESP Exome Variant Server 0.00008; TOPMed 0.00001.
gnomAD v4.1: 5 of 1,612,304 alleles (0.00031%); highest among the groups gnomAD compares: Middle Eastern, 0.016%; no homozygotes.

Submission:

Labcorp Genetics (formerly Invitae), Labcorp
Classification: Uncertain significance for Congenital myasthenic syndrome 11; Fetal akinesia deformation sequence 1. Last evaluated: 2025-10-02. Review status: criteria provided, single submitter. Criteria: Invitae Variant Classification Sherloc (09022015). Collection method: clinical testing. Allele origin: germline.
Comment: This sequence change replaces aspartic acid, which is acidic and polar, with asparagine, which is neutral and polar, at codon 71 of the RAPSN protein (p.Asp71Asn). This variant is present in population databases (rs150051760, gnomAD 0.003%). This variant has not been reported in the literature in individuals affected with RAPSN-related conditions. ClinVar contains an entry for this variant (Variation ID: 1360168). Invitae Evidence Modeling of protein sequence and biophysical properties (such as structural, functional, and spatial information, amino acid conservation, physicochemical variation, residue mobility, and thermodynamic stability) indicates that this missense variant is not expected to disrupt RAPSN protein function with a negative predictive value of 80%. In summary, the available evidence is currently insufficient to determine the role of this variant in disease. Therefore, it has been classified as a Variant of Uncertain Significance.